The following is an entry in ClinVar:

ClinVar aggregate classification (germline): Uncertain significance (1 of 4 stars; one submission).

Conditions:
Ehlers-Danlos syndrome, classic type, 1 (EDSCL1). Also called: EHLERS-DANLOS SYNDROME, GRAVIS TYPE; EHLERS-DANLOS SYNDROME, SEVERE CLASSIC TYPE; Ehlers-Danlos syndrome, type 1; Ehlers-Danlos Syndrome, Classic Type, COL5A1-Related; EDS I. Identifiers: MedGen C0268335, MONDO:0019567, OMIM 130000.
Osteogenesis imperfecta type I (OI1). Also called: OI, TYPE I; OSTEOGENESIS IMPERFECTA TARDA; OSTEOGENESIS IMPERFECTA WITH BLUE SCLERAE; Osteogenesis imperfecta type 1; Lobstein's Disease; Lobstein disease. Identifiers: Orphanet 216796, Orphanet 666, MedGen C0023931, MONDO:0008146, OMIM 166200. Disease mechanism: loss of function.

Submission:

Labcorp Genetics (formerly Invitae), Labcorp
Classification: Uncertain significance for Osteogenesis imperfecta type I; Ehlers-Danlos syndrome, classic type, 1. Last evaluated: 2024-06-09. Review status: criteria provided, single submitter. Criteria: Invitae Variant Classification Sherloc (09022015). Collection method: clinical testing. Allele origin: germline.
Comment: This sequence change replaces tyrosine, which is neutral and polar, with asparagine, which is neutral and polar, at codon 1278 of the COL1A2 protein (p.Tyr1278Asn). This variant is not present in population databases (gnomAD no frequency). This variant has not been reported in the literature in individuals affected with COL1A2-related conditions. Advanced modeling of protein sequence and biophysical properties (such as structural, functional, and spatial information, amino acid conservation, physicochemical variation, residue mobility, and thermodynamic stability) has been performed at Invitae for this missense variant, however the output from this modeling did not meet the statistical confidence thresholds required to predict the impact of this variant on COL1A2 protein function. In summary, the available evidence is currently insufficient to determine the role of this variant in disease. Therefore, it has been classified as a Variant of Uncertain Significance.

NM_000089.4(COL1A2):c.3832T>A (p.Tyr1278Asn)

Gene: COL1A2 (collagen type I alpha 2 chain; plus strand). Cytogenetic location: 7q21.3.
Variant type: single nucleotide variant.
Coding change: c.3832T>A on transcript NM_000089.4 (MANE Select); coding-DNA position 3832, T replaced by A.
Protein change: p.Tyr1278Asn; replaces tyrosine 1278 with asparagine.
Molecular consequence: missense variant.
Genome position (GRCh38, 1-based): chr7:94,429,308, T>A. VCF-style: chr7-94429308-T-A. GRCh37 (hg19) VCF-style: chr7-94058620-T-A.
Other names: short protein forms Y1278N.
Identifiers: ClinVar variation 3756750 (VCV003756750.2).